The following is an entry in ClinVar:

ClinVar aggregate classification (germline): Uncertain significance (1 of 4 stars; one submission).

Conditions:
Cardiomyopathy (CMYO). Also called: Cardiomyopathies. Identifiers: Orphanet 167848, MedGen C0878544, MONDO:0004994, HP:0001638. Inheritance: Various modes of inheritance.

Allele frequency attached by ClinVar (database versions not stated): gnomAD exomes below 0.00001; ExAC 0.00001; ESP Exome Variant Server 0.00008.
gnomAD v4.1: 3 of 1,613,806 alleles (0.00019%); highest among the groups gnomAD compares: Non-Finnish European, 0.00025%; no homozygotes.

Submission:

Color Diagnostics, LLC DBA Color Health
Classification: Uncertain significance for Cardiomyopathy. Last evaluated: 2024-03-07. Review status: criteria provided, single submitter. Criteria: ACMG Guidelines, 2015. Collection method: clinical testing. Allele origin: germline.
Comment: This missense variant replaces aspartic acid with asparagine at codon 1333 of the RYR2 protein. Computational prediction tool suggests that this variant may not impact protein structure and function (internally defined REVEL score threshold <=0.5, PMID: 27666373). Splice site prediction tools suggest that this variant may not impact RNA splicing. To our knowledge, functional studies have not been performed for this variant. This variant has not been reported in individuals affected with cardiovascular disorders in the literature. This variant has been identified in 1/248934 chromosomes in the general population by the Genome Aggregation Database (gnomAD). The available evidence is insufficient to determine the role of this variant in disease conclusively. Therefore, this variant is classified as a Variant of Uncertain Significance.

NM_001035.3(RYR2):c.3997G>A (p.Asp1333Asn)

Genes: RYR2 (ryanodine receptor 2; plus strand), LOC126806067 (BRD4-independent group 4 enhancer GRCh37_chr1:237753258-237754457; plus strand). Cytogenetic location: 1q43.
Variant type: single nucleotide variant.
Coding change: c.3997G>A on transcript NM_001035.3 (MANE Select); coding-DNA position 3997, G replaced by A.
Protein change: p.Asp1333Asn; replaces aspartic acid 1333 with asparagine.
Molecular consequence: missense variant.
Genome position (GRCh38, 1-based): chr1:237,590,829, G>A. VCF-style: chr1-237590829-G-A. GRCh37 (hg19) VCF-style: chr1-237754129-G-A.
Other names: short protein forms D1333N.
Identifiers: ClinVar variation 918593 (VCV000918593.4), dbSNP rs368281275, ClinGen allele CA072406.